The following is an entry in ClinVar:

ClinVar aggregate classification (germline): Uncertain significance. Review status: criteria provided, multiple submitters, no conflicts (2 of 4 stars). 2 submissions from 2 submitters: Uncertain significance (2). Last evaluated 2024-05-28.

gnomAD v4.1: 18 of 1,611,866 alleles (0.0011%); highest among the groups gnomAD compares: Non-Finnish European, 0.0015%; no homozygotes.

Submissions (2):

Athena Diagnostics
Classification: Uncertain significance. Last evaluated: 2024-05-28. Review status: criteria provided, single submitter. Criteria: Athena Diagnostics Criteria. Collection method: clinical testing. Allele origin: unknown.
Comment: Available data are insufficient to determine the clinical significance of the variant at this time. The frequency of this variant in the general population is uninformative in assessment of its pathogenicity. Polyphen and MutationTaster predict this amino acid change may be benign.

Mayo Clinic Laboratories, Mayo Clinic
Classification: Uncertain significance. Last evaluated: 2023-07-26. Review status: criteria provided, single submitter. Criteria: ACMG Guidelines, 2015. Collection method: clinical testing. Allele origin: germline. Observed: 1 variant allele.
Comment: BP4

NM_001267550.2(TTN):c.15200C>T (p.Thr5067Ile)

Gene: TTN (titin; minus strand). Cytogenetic location: 2q31.2.
Variant type: single nucleotide variant.
Coding change: c.15200C>T on transcript NM_001267550.2 (MANE Select); coding-DNA position 15200, C replaced by T.
Protein change: p.Thr5067Ile; replaces threonine 5067 with isoleucine.
Molecular consequence: missense variant. On other transcripts: intron variant (3).
Genome position (GRCh38, 1-based): chr2:178,734,724, G>A on the plus strand (C>T on the coding strand, the complement: TTN is on the minus strand). VCF-style: chr2-178734724-G-A. GRCh37 (hg19) VCF-style: chr2-179599451-G-A.
Other names: p.Thr3823Ile; c.14249C>T, p.Thr4750Ile (NM_001256850.1); c.11468C>T, p.Thr3823Ile (NM_133378.4); c.13282+3358C>T (NM_003319.4); c.13858+3358C>T (NM_133437.4); c.13657+3358C>T (NM_133432.3); short protein forms T3823I, T4750I, T5067I.
Identifiers: ClinVar variation 3379381 (VCV003379381.2).